The following is an entry in ClinVar:

ClinVar aggregate classification (germline): Uncertain significance (1 of 4 stars; one submission).

Conditions:
Granulomatous disease, chronic, autosomal recessive, cytochrome b-positive, type 3. Also called: GRANULOMATOUS DISEASE, CHRONIC, AUTOSOMAL RECESSIVE, 3; GRANULOMATOUS DISEASE, CHRONIC, DUE TO NCF4 DEFICIENCY; Granulomatous disease, chronic, autosomal recessive, cytochrome b-positive, type III; CGD, AUTOSOMAL RECESSIVE CYTOCHROME b-POSITIVE, TYPE III. Identifiers: Orphanet 379, MedGen C3151409, MONDO:0013507, OMIM 613960.

Allele frequency attached by ClinVar (database versions not stated): TOPMed below 0.00001.

Submission:

Labcorp Genetics (formerly Invitae), Labcorp
Classification: Uncertain significance for Granulomatous disease, chronic, autosomal recessive, cytochrome b-positive, type 3. Last evaluated: 2022-08-19. Review status: criteria provided, single submitter. Criteria: Invitae Variant Classification Sherloc (09022015). Collection method: clinical testing. Allele origin: germline.
Comment: This sequence change replaces alanine, which is neutral and non-polar, with glycine, which is neutral and non-polar, at codon 9 of the NCF4 protein (p.Ala9Gly). This variant is not present in population databases (gnomAD no frequency). This variant has not been reported in the literature in individuals affected with NCF4-related conditions. Algorithms developed to predict the effect of missense changes on protein structure and function (SIFT, PolyPhen-2, Align-GVGD) all suggest that this variant is likely to be tolerated. In summary, the available evidence is currently insufficient to determine the role of this variant in disease. Therefore, it has been classified as a Variant of Uncertain Significance.

NM_000631.5(NCF4):c.26C>G (p.Ala9Gly)

Genes: NCF4 (neutrophil cytosolic factor 4; plus strand), NCF4-AS1 (NCF4 antisense RNA 1; minus strand). Cytogenetic location: 22q12.3.
Variant type: single nucleotide variant.
Coding change: c.26C>G on transcript NM_000631.5 (MANE Select); coding-DNA position 26, C replaced by G.
Protein change: p.Ala9Gly; replaces alanine 9 with glycine.
Molecular consequence: missense variant.
Genome position (GRCh38, 1-based): chr22:36,861,197, C>G. VCF-style: chr22-36861197-C-G. GRCh37 (hg19) VCF-style: chr22-37257239-C-G.
Other names: c.26C>G, p.Ala9Gly (NM_013416.4); short protein forms A9G.
Identifiers: ClinVar variation 2099410 (VCV002099410.1), dbSNP rs1028485815, ClinGen allele CA323981153.